The following is an entry in ClinVar:

NM_000057.4(BLM):c.2392C>G (p.His798Asp)

Gene: BLM (BLM RecQ like helicase; plus strand). Cytogenetic location: 15q26.1.
Variant type: single nucleotide variant.
Coding change: c.2392C>G on transcript NM_000057.4 (MANE Select); coding-DNA position 2392, C replaced by G.
Protein change: p.His798Asp; replaces histidine 798 with aspartic acid.
Molecular consequence: missense variant.
Genome position (GRCh38, 1-based): chr15:90,769,217, C>G. VCF-style: chr15-90769217-C-G. GRCh37 (hg19) VCF-style: chr15-91312447-C-G.
Other names: c.2392C>G, p.His798Asp (NM_001287246.2, NM_001287247.2); c.1267C>G, p.His423Asp (NM_001287248.2); short protein forms H423D, H798D.
Identifiers: ClinVar variation 1000161 (VCV001000161.12), dbSNP rs1896227131, ClinGen allele CA393845201.

ClinVar aggregate classification (germline): Uncertain significance. Review status: criteria provided, multiple submitters, no conflicts (2 of 4 stars). 2 submissions from 2 submitters: Uncertain significance (2). Last evaluated 2024-10-24.

Conditions:
Hereditary cancer-predisposing syndrome. Also called: Neoplastic Syndromes, Hereditary; Tumor predisposition; Hereditary Cancer Syndrome; Hereditary neoplastic syndrome. Identifiers: Orphanet 140162, MedGen C0027672, MeSH D009386, MONDO:0015356.
Bloom syndrome (BLM). Also called: Bloom-Torre-Machacek syndrome. Identifiers: Orphanet 125, MedGen C0005859, MONDO:0008876, OMIM 210900.

Submissions (2):

Ambry Genetics
Classification: Uncertain significance for Hereditary cancer-predisposing syndrome. Last evaluated: 2024-10-24. Review status: criteria provided, single submitter. Criteria: Ambry Variant Classification Scheme 2023. Collection method: clinical testing. Allele origin: germline.
Comment: The p.H798D variant (also known as c.2392C>G), located in coding exon 10 of the BLM gene, results from a C to G substitution at nucleotide position 2392. The histidine at codon 798 is replaced by aspartic acid, an amino acid with similar properties. This amino acid position is conserved. In addition, this alteration is predicted to be deleterious by in silico analysis. Since supporting evidence is limited at this time, the clinical significance of this alteration remains unclear.

Labcorp Genetics (formerly Invitae), Labcorp
Classification: Uncertain significance for Bloom syndrome. Last evaluated: 2022-04-19. Review status: criteria provided, single submitter. Criteria: Invitae Variant Classification Sherloc (09022015). Collection method: clinical testing. Allele origin: germline.
Comment: This sequence change replaces histidine, which is basic and polar, with aspartic acid, which is acidic and polar, at codon 798 of the BLM protein (p.His798Asp). This variant is not present in population databases (gnomAD no frequency). This variant has not been reported in the literature in individuals affected with BLM-related conditions. ClinVar contains an entry for this variant (Variation ID: 1000161). Algorithms developed to predict the effect of missense changes on protein structure and function are either unavailable or do not agree on the potential impact of this missense change (SIFT: "Deleterious"; PolyPhen-2: "Probably Damaging"; Align-GVGD: "Class C0"). Algorithms developed to predict the effect of sequence changes on RNA splicing suggest that this variant may create or strengthen a splice site. In summary, the available evidence is currently insufficient to determine the role of this variant in disease. Therefore, it has been classified as a Variant of Uncertain Significance.